The following is an entry in ClinVar:

NM_005629.4(SLC6A8):c.323T>C (p.Leu108Ser)

Gene: SLC6A8 (solute carrier family 6 member 8; plus strand). Cytogenetic location: Xq28.
Variant type: single nucleotide variant.
Coding change: c.323T>C on transcript NM_005629.4 (MANE Select); coding-DNA position 323, T replaced by C.
Protein change: p.Leu108Ser; replaces leucine 108 with serine.
Molecular consequence: missense variant. On other transcripts: 5 prime UTR variant (1).
Genome position (GRCh38, 1-based): chrX:153,690,435, T>C. VCF-style: chrX-153690435-T-C. GRCh37 (hg19) VCF-style: chrX-152955890-T-C.
Other names: c.323T>C, p.Leu108Ser (NM_001142805.2); c.-23T>C (NM_001142806.1); short protein forms L108S.
Identifiers: ClinVar variation 2497787 (VCV002497787.1), dbSNP rs2522152338, ClinGen allele CA415077617.

ClinVar aggregate classification (germline): Uncertain significance (1 of 4 stars; one submission).

Submission:

GeneDx
Classification: Uncertain significance. Last evaluated: 2022-10-05. Review status: criteria provided, single submitter. Criteria: GeneDx Variant Classification Process June 2021. Collection method: clinical testing. Allele origin: germline. Affected: yes.
Comment: Not observed at significant frequency in large population cohorts (gnomAD); In silico analysis supports that this missense variant has a deleterious effect on protein structure/function; Has not been previously published as pathogenic or benign to our knowledge